The following is an entry in ClinVar:

NM_006031.6(PCNT):c.5782C>T (p.Arg1928Cys)

Gene: PCNT (pericentrin; plus strand). Cytogenetic location: 21q22.3.
Variant type: single nucleotide variant.
Coding change: c.5782C>T on transcript NM_006031.6 (MANE Select); coding-DNA position 5782, C replaced by T.
Protein change: p.Arg1928Cys; replaces arginine 1928 with cysteine.
Molecular consequence: missense variant.
Genome position (GRCh38, 1-based): chr21:46,411,855, C>T. VCF-style: chr21-46411855-C-T. GRCh37 (hg19) VCF-style: chr21-47831769-C-T.
Other names: c.5428C>T, p.Arg1810Cys (NM_001315529.2); short protein forms R1928C, R1810C.
Identifiers: ClinVar variation 3929676 (VCV003929676.2).
Genomic context (GRCh38, chr21:46,411,855, plus strand): 5'-CAGCCCCTGGCAGCCGGGGCGGCGCCTCCCGAGCTGCAGTGGCTCCGAGCGCAGTGTGCC[C>T]GCCTCAGCCGCCAGCTGCAGGTGCTGCACCAGCGGTTCCTGAGGTGCCAGGTGGAGCTGG-3'
Protein context (NP_006022.3, residues 1918-1938): ELQWLRAQCA[Arg1928Cys]LSRQLQVLHQ

ClinVar aggregate classification (germline): Uncertain significance. Review status: criteria provided, multiple submitters, no conflicts (2 of 4 stars). 2 submissions from 2 submitters: Uncertain significance (2). Last evaluated 2026-05-14.

Conditions:
Inborn genetic diseases. Identifiers: MedGen C0950123, MeSH D030342.
PCNT-related disorder. Also called: PCNT-related condition.

gnomAD v4.1: 38 of 1,560,822 alleles (0.0024%); highest among the groups gnomAD compares: South Asian, 0.0057%; no homozygotes.

Submissions (2):

PreventionGenetics, part of Exact Sciences
Classification: Uncertain significance for PCNT-related condition. Last evaluated: 2026-05-14. Review status: criteria provided, single submitter. Criteria: ACMG Guidelines, 2015. Collection method: clinical testing. Allele origin: germline.
Comment: The PCNT c.5782C>T variant is predicted to result in the amino acid substitution p.Arg1928Cys. To our knowledge, this variant has not been reported in the literature. This variant is reported in 0.0083% of alleles in individuals of European (Finnish) descent in gnomAD. At this time, the clinical significance of this variant is uncertain due to the absence of conclusive functional and genetic evidence.

Ambry Genetics
Classification: Uncertain significance for Inborn genetic diseases. Last evaluated: 2025-06-07. Review status: criteria provided, single submitter. Criteria: Ambry Variant Classification Scheme 2023. Collection method: clinical testing. Allele origin: germline.